The following is an entry in ClinVar:

ClinVar aggregate classification (germline): Uncertain significance (1 of 4 stars; one submission).

Conditions:
Melnick-Fraser syndrome (BOR). Also called: Branchiootorenal syndrome; Branchio-oto-renal syndrome; Branchiootorenal Syndrome (BORS). Identifiers: Orphanet 107, MedGen C0265234, MONDO:0007029.

Allele frequency attached by ClinVar (database versions not stated): ExAC 0.00001.
gnomAD v4.1: 8 of 1,613,910 alleles (0.0005%); highest among the groups gnomAD compares: East Asian, 0.0022%; no homozygotes.

Submission:

Labcorp Genetics (formerly Invitae), Labcorp
Classification: Uncertain significance for Melnick-Fraser syndrome. Last evaluated: 2024-06-24. Review status: criteria provided, single submitter. Criteria: Invitae Variant Classification Sherloc (09022015). Collection method: clinical testing. Allele origin: germline.
Comment: This sequence change replaces proline, which is neutral and non-polar, with leucine, which is neutral and non-polar, at codon 216 of the EYA1 protein (p.Pro216Leu). This variant is present in population databases (rs200923204, gnomAD 0.02%). This missense change has been observed in individual(s) with clinical features of Brachio-Oto-Renal (BOR) Syndrome (PMID: 18065799). ClinVar contains an entry for this variant (Variation ID: 2037986). Advanced modeling of protein sequence and biophysical properties (such as structural, functional, and spatial information, amino acid conservation, physicochemical variation, residue mobility, and thermodynamic stability) performed at Invitae indicates that this missense variant is not expected to disrupt EYA1 protein function with a negative predictive value of 80%. In summary, the available evidence is currently insufficient to determine the role of this variant in disease. Therefore, it has been classified as a Variant of Uncertain Significance.

Literature cited by the submitters: PubMed 18065799.

NM_000503.6(EYA1):c.647C>T (p.Pro216Leu)

Gene: EYA1 (EYA transcriptional coactivator and phosphatase 1; minus strand). Cytogenetic location: 8q13.3.
Variant type: single nucleotide variant.
Coding change: c.647C>T on transcript NM_000503.6 (MANE Select); coding-DNA position 647, C replaced by T.
Protein change: p.Pro216Leu; replaces proline 216 with leucine.
Molecular consequence: missense variant.
Genome position (GRCh38, 1-based): chr8:71,299,226, G>A on the plus strand (C>T on the coding strand, the complement: EYA1 is on the minus strand). VCF-style: chr8-71299226-G-A. GRCh37 (hg19) VCF-style: chr8-72211461-G-A.
Other names: c.629C>T, p.Pro210Leu (NM_001288574.2); c.281C>T, p.Pro94Leu (NM_001288575.2); c.734C>T, p.Pro245Leu (NM_001370333.1); c.647C>T, p.Pro216Leu (NM_001370334.1, NM_001370335.1, NM_172058.4); c.716C>T, p.Pro239Leu (NM_001370336.1); c.548C>T, p.Pro183Leu (NM_001411797.1, NM_172060.4); c.719C>T, p.Pro240Leu (NM_172059.5); short protein forms P216L, P210L, P94L, P245L, P183L, P239L, P240L.
Identifiers: ClinVar variation 2037986 (VCV002037986.4), dbSNP rs200923204, ClinGen allele CA4779693.